The following is an entry in ClinVar:

ClinVar aggregate classification (germline): Likely benign. Review status: criteria provided, multiple submitters, no conflicts (2 of 4 stars). 2 submissions from 2 submitters: Likely benign (2). Last evaluated 2026-08-01.

Allele frequency attached by ClinVar (database versions not stated): gnomAD exomes 0.00019; ExAC 0.00062; gnomAD 0.00083; TOPMed 0.00088; ESP Exome Variant Server 0.00100; 1000 Genomes Project 0.00260.
gnomAD v4.1: 409 of 1,611,550 alleles (0.025%); highest among the groups gnomAD compares: African/African-American, 0.22%; 1 homozygote.

Submissions (2):

CeGaT Center for Human Genetics Tuebingen
Classification: Likely benign. Last evaluated: 2026-08-01. Review status: criteria provided, single submitter. Criteria: CeGaT Center For Human Genetics Tuebingen Variant Classification Criteria Version 2. Collection method: clinical testing. Allele origin: germline. Affected: yes. Observed: 3 variant alleles.
Comment: SETD1A: BP4, BP7

Breakthrough Genomics
Classification: Likely benign. Review status: criteria provided, single submitter. Criteria: ACMG Guidelines, 2015. Collection method: not provided. Allele origin: germline. Inheritance: Autosomal dominant inheritance. Affected: yes.

NM_014712.3(SETD1A):c.3126A>C (p.Ser1042=)

Gene: SETD1A (SET domain containing 1A, histone lysine methyltransferase; plus strand). Cytogenetic location: 16p11.2.
Variant type: single nucleotide variant.
Coding change: c.3126A>C on transcript NM_014712.3 (MANE Select); coding-DNA position 3126, A replaced by C.
Protein change: p.Ser1042=; no amino-acid change (serine 1042 retained).
Molecular consequence: synonymous variant.
Genome position (GRCh38, 1-based): chr16:30,971,487, A>C. VCF-style: chr16-30971487-A-C. GRCh37 (hg19) VCF-style: chr16-30982808-A-C.
Identifiers: ClinVar variation 2646444 (VCV002646444.25), dbSNP rs141132338, ClinGen allele CA8017176.